The following is an entry in ClinVar:

NM_005094.4(SLC27A4):c.1546G>A (p.Val516Met)

Gene: SLC27A4 (solute carrier family 27 member 4; plus strand). Cytogenetic location: 9q34.11.
Variant type: single nucleotide variant.
Coding change: c.1546G>A on transcript NM_005094.4 (MANE Select); coding-DNA position 1546, G replaced by A.
Protein change: p.Val516Met; replaces valine 516 with methionine.
Molecular consequence: missense variant.
Genome position (GRCh38, 1-based): chr9:128,355,481, G>A. VCF-style: chr9-128355481-G-A. GRCh37 (hg19) VCF-style: chr9-131117760-G-A.
Other names: c.1546G>A (NM_005094.3); short protein forms V516M.
Identifiers: ClinVar variation 2043744 (VCV002043744.5), dbSNP rs750837144, ClinGen allele CA5261342.

ClinVar aggregate classification (germline): Uncertain significance. Review status: criteria provided, multiple submitters, no conflicts (2 of 4 stars). 2 submissions from 2 submitters: Uncertain significance (2). Last evaluated 2025-03-19.

Conditions:
Inborn genetic diseases. Identifiers: MedGen C0950123, MeSH D030342.

Allele frequency attached by ClinVar (database versions not stated): gnomAD 0.00001; TOPMed 0.00002.
gnomAD v4.1: 25 of 1,613,190 alleles (0.0015%); highest among the groups gnomAD compares: African/African-American, 0.004%; no homozygotes.

Submissions (2):

Ambry Genetics
Classification: Uncertain significance for Inborn genetic diseases. Last evaluated: 2025-03-19. Review status: criteria provided, single submitter. Criteria: Ambry Variant Classification Scheme 2023. Collection method: clinical testing. Allele origin: germline.

Labcorp Genetics (formerly Invitae), Labcorp
Classification: Uncertain significance. Last evaluated: 2022-08-08. Review status: criteria provided, single submitter. Criteria: Invitae Variant Classification Sherloc (09022015). Collection method: clinical testing. Allele origin: germline.
Comment: This sequence change replaces valine, which is neutral and non-polar, with methionine, which is neutral and non-polar, at codon 516 of the SLC27A4 protein (p.Val516Met). This variant is present in population databases (rs750837144, gnomAD 0.004%). This variant has not been reported in the literature in individuals affected with SLC27A4-related conditions. Algorithms developed to predict the effect of missense changes on protein structure and function are either unavailable or do not agree on the potential impact of this missense change (SIFT: "Deleterious"; PolyPhen-2: "Probably Damaging"; Align-GVGD: "Class C15"). In summary, the available evidence is currently insufficient to determine the role of this variant in disease. Therefore, it has been classified as a Variant of Uncertain Significance.